The following is an entry in ClinVar:

ClinVar aggregate classification (germline): Uncertain significance (1 of 4 stars; one submission).

Conditions:
Cystic fibrosis (CF). Also called: MUCOVISCIDOSIS. Identifiers: Orphanet 586, MedGen C0010674, MONDO:0009061, OMIM 219700. Disease mechanism: loss of function.

Submission:

Ambry Genetics
Classification: Uncertain significance for Cystic fibrosis. Last evaluated: 2025-06-25. Review status: criteria provided, single submitter. Criteria: Ambry Variant Classification Scheme 2023. Collection method: clinical testing. Allele origin: germline.
Comment: The p.S877C variant (also known as c.2630C>G), located in coding exon 16 of the CFTR gene, results from a C to G substitution at nucleotide position 2630. The serine at codon 877 is replaced by cysteine, an amino acid with dissimilar properties. This amino acid position is highly conserved in available vertebrate species. In addition, the in silico prediction for this alteration is inconclusive. Based on the available evidence, the clinical significance of this variant remains unclear.

NM_000492.4(CFTR):c.2630C>G (p.Ser877Cys)

Gene: CFTR (CF transmembrane conductance regulator; plus strand). Cytogenetic location: 7q31.2.
Variant type: single nucleotide variant.
Coding change: c.2630C>G on transcript NM_000492.4 (MANE Select); coding-DNA position 2630, C replaced by G.
Protein change: p.Ser877Cys; replaces serine 877 with cysteine.
Molecular consequence: missense variant.
Genome position (GRCh38, 1-based): chr7:117,602,836, C>G. VCF-style: chr7-117602836-C-G. GRCh37 (hg19) VCF-style: chr7-117242890-C-G.
Other names: short protein forms S877C.
Identifiers: ClinVar variation 4227391 (VCV004227391.1).
Genomic context (GRCh38, chr7:117,602,836, plus strand): 5'-ATAGGTGAAGATGTTAGAAAAAAAATCAACTGTGTCTTGTTCCATTCCAGGTGGCTGCTT[C>G]TTTGGTTGTGCTGTGGCTCCTTGGAAAGTGAGTATTCCATGTCCTATTGTGTAGATTGTG-3'
Protein context (NP_000483.3, residues 867-887): LVIFLAEVAA[Ser877Cys]LVVLWLLGNT